The following is an entry in ClinVar:

NM_001189.4(NKX3-2):c.57C>G (p.Asn19Lys)

Gene: NKX3-2 (NK3 homeobox 2; minus strand). Cytogenetic location: 4p15.33.
Variant type: single nucleotide variant.
Coding change: c.57C>G on transcript NM_001189.4 (MANE Select); coding-DNA position 57, C replaced by G.
Protein change: p.Asn19Lys; replaces asparagine 19 with lysine.
Molecular consequence: missense variant.
Genome position (GRCh38, 1-based): chr4:13,544,358, G>C on the plus strand (C>G on the coding strand, the complement: NKX3-2 is on the minus strand). VCF-style: chr4-13544358-G-C. GRCh37 (hg19) VCF-style: chr4-13545982-G-C.
Other names: short protein forms N19K.
Identifiers: ClinVar variation 1352005 (VCV001352005.5), dbSNP rs750055260, ClinGen allele CA356378110.

ClinVar aggregate classification (germline): Uncertain significance (1 of 4 stars; one submission).

Submission:

Labcorp Genetics (formerly Invitae), Labcorp
Classification: Uncertain significance. Last evaluated: 2022-06-27. Review status: criteria provided, single submitter. Criteria: Invitae Variant Classification Sherloc (09022015). Collection method: clinical testing. Allele origin: germline.
Comment: This sequence change replaces asparagine, which is neutral and polar, with lysine, which is basic and polar, at codon 19 of the NKX3-2 protein (p.Asn19Lys). This variant is not present in population databases (gnomAD no frequency). This variant has not been reported in the literature in individuals affected with NKX3-2-related conditions. Algorithms developed to predict the effect of missense changes on protein structure and function are either unavailable or do not agree on the potential impact of this missense change (SIFT: "Deleterious"; PolyPhen-2: "Benign"; Align-GVGD: "Class C0"). In summary, the available evidence is currently insufficient to determine the role of this variant in disease. Therefore, it has been classified as a Variant of Uncertain Significance.